The following is an entry in ClinVar:

NM_024857.5(ATAD5):c.4013-21TG[8]

Gene: ATAD5 (ATPase family AAA domain containing 5; plus strand). Cytogenetic location: 17q11.2.
Variant type: Microsatellite.
Coding change: c.4013-21TG[8] on transcript NM_024857.5 (MANE Select); eight copies in a row of the 2-base unit TG starting at c.4013-21.
Molecular consequence: intron variant.
Genome position: GRCh38 VCF-style: chr17-30879401-TTG-T. GRCh37 (hg19) VCF-style: chr17-29206419-TTG-T.
Identifiers: ClinVar variation 3041958 (VCV003041958.2), dbSNP rs529546366, ClinGen allele CA8484198.
Genomic context (GRCh38, chr17:30,879,401, plus strand): 5'-TAGAAAAGTATAACTTGAAAAAGTTATTTATTGGTCTTAGTGTTTAAGAATTTTTTTTTT[TTG>T]TGTGTGTGTGTGTGTGTAGACCCAACATTTAGTTTAATGTTTGATGGCTGCTTTGAAGAA-3'

ClinVar aggregate classification (germline): Benign (0 of 4 stars; one submission).

Conditions:
ATAD5-related disorder. Also called: ATAD5-related condition.

Submission:

PreventionGenetics, part of Exact Sciences
Classification: Benign for ATAD5-related condition. Last evaluated: 2019-04-24. Review status: no assertion criteria provided. Collection method: clinical testing. Allele origin: germline.
Comment: This variant is classified as benign based on ACMG/AMP sequence variant interpretation guidelines (Richards et al. 2015 PMID: 25741868, with internal and published modifications).